The following is an entry in ClinVar:

ClinVar aggregate classification (germline): Uncertain significance. Review status: criteria provided, multiple submitters, no conflicts (2 of 4 stars). 2 submissions from 2 submitters: Uncertain significance (2). Last evaluated 2024-10-23.

Conditions:
Inborn genetic diseases. Identifiers: MedGen C0950123, MeSH D030342.

gnomAD v4.1: 10 of 1,547,172 alleles (0.00065%); highest among the groups gnomAD compares: Admixed American, 0.0059%; no homozygotes.

Submissions (2):

Ambry Genetics
Classification: Uncertain significance for Inborn genetic diseases. Last evaluated: 2024-10-23. Review status: criteria provided, single submitter. Criteria: Ambry Variant Classification Scheme 2023. Collection method: clinical testing. Allele origin: germline.

Labcorp Genetics (formerly Invitae), Labcorp
Classification: Uncertain significance. Last evaluated: 2022-05-04. Review status: criteria provided, single submitter. Criteria: Invitae Variant Classification Sherloc (09022015). Collection method: clinical testing. Allele origin: germline.
Comment: In summary, the available evidence is currently insufficient to determine the role of this variant in disease. Therefore, it has been classified as a Variant of Uncertain Significance. Algorithms developed to predict the effect of missense changes on protein structure and function are either unavailable or do not agree on the potential impact of this missense change (SIFT: "Not Available"; PolyPhen-2: "Probably Damaging"; Align-GVGD: "Not Available"). This variant has not been reported in the literature in individuals affected with USH1G-related conditions. The frequency data for this variant in the population databases is considered unreliable, as metrics indicate poor data quality at this position in the gnomAD database. This sequence change replaces arginine, which is basic and polar, with histidine, which is basic and polar, at codon 49 of the USH1G protein (p.Arg49His).

NM_173477.5(USH1G):c.146G>A (p.Arg49His)

Gene: USH1G (USH1 protein network component sans; minus strand). Cytogenetic location: 17q25.1.
Variant type: single nucleotide variant.
Coding change: c.146G>A on transcript NM_173477.5 (MANE Select); coding-DNA position 146, G replaced by A.
Protein change: p.Arg49His; replaces arginine 49 with histidine.
Molecular consequence: missense variant. On other transcripts: 5 prime UTR variant (1).
Genome position (GRCh38, 1-based): chr17:74,922,928, C>T on the plus strand (G>A on the coding strand, the complement: USH1G is on the minus strand). VCF-style: chr17-74922928-C-T. GRCh37 (hg19) VCF-style: chr17-72919023-C-T.
Other names: c.146G>A (NM_173477.2); c.-111G>A (NM_001282489.3); short protein forms R49H.
Identifiers: ClinVar variation 1957721 (VCV001957721.6), dbSNP rs917200314, ClinGen allele CA293990700.
Genomic context (GRCh38, chr17:74,922,928, plus strand): 5'-TGGTCTCAGGGGCCTCAAGGGCACTGGGTGGGGCGTACTCACCCGCGGCTCACAATGAGA[C>T]GCAGCGACTCGAGGTTGCCATGGTAGGCAGCCCAGAGAGTGGGGGTCATGCCATCCTCGT-3'
Protein context (NP_775748.2, residues 39-59): AAYHGNLESL[Arg49His]LIVSRGGDPD